The following is an entry in ClinVar:

ClinVar aggregate classification (germline): Uncertain significance (1 of 4 stars; one submission).

Conditions:
Skeletal overgrowth-craniofacial dysmorphism-hyperelastic skin-white matter lesions syndrome. Also called: SKELETAL OVERGROWTH WITH FACIAL DYSMORPHISM, HYPERELASTIC SKIN, WHITE MATTER LESIONS, AND NEUROLOGIC DETERIORATION; Kosaki overgrowth syndrome. Identifiers: Orphanet 477831, MedGen C4225270, MONDO:0014704, OMIM 616592.
Infantile myofibromatosis (IMF). Also called: Congenital generalized fibromatosis. Identifiers: Orphanet 2591, MedGen C0432284, MONDO:0016824.
Basal ganglia calcification, idiopathic, 4 (PFBC4). Also called: Familial Idiopathic Basal Ganglia Calcification 4; PRIMARY FAMILIAL BRAIN CALCIFICATION 4, AUTOSOMAL DOMINANT. Identifiers: Orphanet 1980, MedGen C3554321, MONDO:0014004, OMIM 615007.
Acroosteolysis-keloid-like lesions-premature aging syndrome. Also called: Premature aging syndrome, Penttinen type; Prematurely aged appearance, delayed bone maturation, acro-osteolysis, and brachydactyly; Progeroid syndrome, Penttinen type. Identifiers: Orphanet 363665, MedGen C1866182, MONDO:0011150, OMIM 601812.

Submission:

Labcorp Genetics (formerly Invitae), Labcorp
Classification: Uncertain significance for Basal ganglia calcification, idiopathic, 4; Skeletal overgrowth-craniofacial dysmorphism-hyperelastic skin-white matter lesions syndrome; Infantile myofibromatosis; Acroosteolysis-keloid-like lesions-premature aging syndrome. Last evaluated: 2024-11-13. Review status: criteria provided, single submitter. Criteria: Invitae Variant Classification Sherloc (09022015). Collection method: clinical testing. Allele origin: germline.
Comment: This sequence change replaces histidine, which is basic and polar, with tyrosine, which is neutral and polar, at codon 526 of the PDGFRB protein (p.His526Tyr). This variant is present in population databases (no rsID available, gnomAD 0.01%). This variant has not been reported in the literature in individuals affected with PDGFRB-related conditions. Invitae Evidence Modeling of protein sequence and biophysical properties (such as structural, functional, and spatial information, amino acid conservation, physicochemical variation, residue mobility, and thermodynamic stability) indicates that this missense variant is not expected to disrupt PDGFRB protein function with a negative predictive value of 80%. In summary, the available evidence is currently insufficient to determine the role of this variant in disease. Therefore, it has been classified as a Variant of Uncertain Significance.

NM_002609.4(PDGFRB):c.1576C>T (p.His526Tyr)

Gene: PDGFRB (platelet derived growth factor receptor beta; minus strand). Cytogenetic location: 5q32.
Variant type: single nucleotide variant.
Coding change: c.1576C>T on transcript NM_002609.4 (MANE Select); coding-DNA position 1576, C replaced by T.
Protein change: p.His526Tyr; replaces histidine 526 with tyrosine.
Molecular consequence: missense variant.
Genome position (GRCh38, 1-based): chr5:150,129,760, G>A on the plus strand (C>T on the coding strand, the complement: PDGFRB is on the minus strand). VCF-style: chr5-150129760-G-A. GRCh37 (hg19) VCF-style: chr5-149509323-G-A.
Other names: c.1384C>T, p.His462Tyr (NM_001355016.2); c.1093C>T, p.His365Tyr (NM_001355017.2); short protein forms H365Y, H462Y, H526Y.
Identifiers: ClinVar variation 3750023 (VCV003750023.2).
Genomic context (GRCh38, chr5:150,129,760, plus strand): 5'-AGGCAGGATTAAGGTAGGGATTGGGATCGTCAGGGGCCACTGAGGCTGGGGACTCACAGT[G>A]TGGCACCACGATGACCTCCTGCGTGTCCTGGCCCACAGCGTTGCGCAGCGTGCAGCGCAC-3'
Protein context (NP_002600.1, residues 516-536): QDTQEVIVVP[His526Tyr]SLPFKVVVIS